The following is an entry in ClinVar:

NM_198291.3(SRC):c.1467G>A (p.Glu489=)

Gene: SRC (SRC proto-oncogene, non-receptor tyrosine kinase; plus strand). Cytogenetic location: 20q11.23.
Variant type: single nucleotide variant.
Coding change: c.1467G>A on transcript NM_198291.3 (MANE Select); coding-DNA position 1467, G replaced by A.
Protein change: p.Glu489=; no amino-acid change (glutamic acid 489 retained).
Molecular consequence: synonymous variant.
Genome position (GRCh38, 1-based): chr20:37,403,235, G>A. VCF-style: chr20-37403235-G-A. GRCh37 (hg19) VCF-style: chr20-36031638-G-A.
Other names: p.Glu489=; c.1467G>A, p.Glu489= (NM_005417.5).
Identifiers: ClinVar variation 713171 (VCV000713171.30), dbSNP rs117899436, ClinGen allele CA9848056.

ClinVar aggregate classification (germline): Benign/Likely benign. Review status: criteria provided, multiple submitters, no conflicts (2 of 4 stars). 4 submissions from 4 submitters: Benign (2); Likely benign (2). Last evaluated 2025-02-18.

Allele frequency attached by ClinVar (database versions not stated): gnomAD exomes 0.00013 and 0.00077; ESP Exome Variant Server 0.00015; gnomAD 0.00029 and 0.00039; TOPMed 0.00047; ExAC 0.00148; 1000 Genomes Project 0.00200; 1000 Genomes Project 30x 0.00219.
gnomAD v4.1: 351 of 1,582,372 alleles (0.022%); highest among the groups gnomAD compares: East Asian, 0.44%; 5 homozygotes.

Submissions (4):

Mayo Clinic Laboratories, Mayo Clinic
Classification: Benign. Last evaluated: 2025-02-18. Review status: criteria provided, single submitter. Criteria: ACMG Guidelines, 2015. Collection method: clinical testing. Allele origin: germline. Observed: 1 variant allele.
Comment: BS1, BS2, BP4, BP7

Blueprint Genetics
Classification: Likely benign. Last evaluated: 2024-11-13. Review status: criteria provided, single submitter. Criteria: ACMG Guidelines, 2015. Collection method: clinical testing. Allele origin: germline.

CeGaT Center for Human Genetics Tuebingen
Classification: Likely benign. Last evaluated: 2022-12-01. Review status: criteria provided, single submitter. Criteria: CeGaT Center For Human Genetics Tuebingen Variant Classification Criteria Version 2. Collection method: clinical testing. Allele origin: germline. Affected: yes. Observed: 1 variant allele.
Comment: SRC: BP4, BP7

Labcorp Genetics (formerly Invitae), Labcorp
Classification: Benign. Last evaluated: 2019-12-31. Review status: criteria provided, single submitter. Criteria: Invitae Variant Classification Sherloc (09022015). Collection method: clinical testing. Allele origin: germline.